The following is an entry in ClinVar:

NM_182493.3(MYLK3):c.1249G>A (p.Glu417Lys)

Gene: MYLK3 (myosin light chain kinase 3; minus strand). Cytogenetic location: 16q11.2.
Variant type: single nucleotide variant.
Coding change: c.1249G>A on transcript NM_182493.3 (MANE Select); coding-DNA position 1249, G replaced by A.
Protein change: p.Glu417Lys; replaces glutamic acid 417 with lysine.
Molecular consequence: missense variant.
Genome position (GRCh38, 1-based): chr16:46,732,421, C>T on the plus strand (G>A on the coding strand, the complement: MYLK3 is on the minus strand). VCF-style: chr16-46732421-C-T. GRCh37 (hg19) VCF-style: chr16-46766333-C-T.
Other names: c.226G>A, p.Glu76Lys (NM_001308301.1); short protein forms E417K, E76K.
Identifiers: ClinVar variation 2606481 (VCV002606481.4), dbSNP rs779509518, ClinGen allele CA8038038.

ClinVar aggregate classification (germline): Conflicting classifications of pathogenicity. Review status: criteria provided, conflicting classifications (1 of 4 stars). 2 submissions from 2 submitters: Uncertain significance (1); Likely benign (1). Last evaluated 2024-11-04.

Allele frequency attached by ClinVar (database versions not stated): ExAC 0.00001.
gnomAD v4.1: 1 of 1,613,430 alleles (0.000062%); highest among the groups gnomAD compares: Non-Finnish European, 0.000085%; no homozygotes.

Submissions (2):

Labcorp Genetics (formerly Invitae), Labcorp
Classification: Uncertain significance. Last evaluated: 2024-11-04. Review status: criteria provided, single submitter. Criteria: Invitae Variant Classification Sherloc (09022015). Collection method: clinical testing. Allele origin: germline.
Comment: This sequence change replaces glutamic acid, which is acidic and polar, with lysine, which is basic and polar, at codon 417 of the MYLK3 protein (p.Glu417Lys). This variant is present in population databases (rs779509518, gnomAD 0.0009%). This variant has not been reported in the literature in individuals affected with MYLK3-related conditions. ClinVar contains an entry for this variant (Variation ID: 2606481). An algorithm developed to predict the effect of missense changes on protein structure and function outputs the following: PolyPhen-2: "Benign". The lysine amino acid residue is found in multiple mammalian species, which suggests that this missense change does not adversely affect protein function. In summary, the available evidence is currently insufficient to determine the role of this variant in disease. Therefore, it has been classified as a Variant of Uncertain Significance.

Ambry Genetics
Classification: Likely benign. Last evaluated: 2023-06-26. Review status: criteria provided, single submitter. Criteria: Ambry Variant Classification Scheme 2023. Collection method: clinical testing. Allele origin: germline.